The following is an entry in ClinVar:

NM_004239.4(TRIP11):c.500T>C (p.Ile167Thr)

Gene: TRIP11 (thyroid hormone receptor interactor 11; minus strand). Cytogenetic location: 14q32.12.
Variant type: single nucleotide variant.
Coding change: c.500T>C on transcript NM_004239.4 (MANE Select); coding-DNA position 500, T replaced by C.
Protein change: p.Ile167Thr; replaces isoleucine 167 with threonine.
Molecular consequence: missense variant.
Genome position (GRCh38, 1-based): chr14:92,021,644, A>G on the plus strand (T>C on the coding strand, the complement: TRIP11 is on the minus strand). VCF-style: chr14-92021644-A-G. GRCh37 (hg19) VCF-style: chr14-92487988-A-G.
Other names: c.497T>C, p.Ile166Thr (NM_001321851.1); short protein forms I166T, I167T.
Identifiers: ClinVar variation 4755845 (VCV004755845.1).

ClinVar aggregate classification (germline): Uncertain significance (1 of 4 stars; one submission).

gnomAD v4.1: 1 of 1,614,196 alleles (0.000062%); highest among the groups gnomAD compares: Non-Finnish European, 0.000085%; no homozygotes.

Submission:

GeneDx
Classification: Uncertain significance. Last evaluated: 2025-08-02. Review status: criteria provided, single submitter. Criteria: GeneDx Variant Classification Process June 2021. Collection method: clinical testing. Allele origin: germline. Affected: yes.
Comment: Not observed at significant frequency in large population cohorts (gnomAD); In silico analysis supports that this missense variant has a deleterious effect on protein structure/function; Has not been previously published as pathogenic or benign to our knowledge